The following is an entry in ClinVar:

ClinVar aggregate classification (germline): Likely benign (0 of 4 stars; one submission).

Conditions:
ARHGAP26-related disorder. Also called: ARHGAP26-related condition.

Allele frequency attached by ClinVar (database versions not stated): gnomAD exomes 0.00002; TOPMed 0.00003; gnomAD 0.00004; ExAC 0.00006; ESP Exome Variant Server 0.00008.
gnomAD v4.1: 31 of 1,610,128 alleles (0.0019%); highest among the groups gnomAD compares: East Asian, 0.02%; no homozygotes.

Submission:

PreventionGenetics, part of Exact Sciences
Classification: Likely benign for ARHGAP26-related condition. Last evaluated: 2019-06-04. Review status: no assertion criteria provided. Collection method: clinical testing. Allele origin: germline.
Comment: This variant is classified as likely benign based on ACMG/AMP sequence variant interpretation guidelines (Richards et al. 2015 PMID: 25741868, with internal and published modifications).

NM_001135608.3(ARHGAP26):c.1710C>T (p.Thr570=)

Gene: ARHGAP26 (Rho GTPase activating protein 26; plus strand). Cytogenetic location: 5q31.3.
Variant type: single nucleotide variant.
Coding change: c.1710C>T on transcript NM_001135608.3 (MANE Select); coding-DNA position 1710, C replaced by T.
Protein change: p.Thr570=; no amino-acid change (threonine 570 retained).
Molecular consequence: synonymous variant. On other transcripts: non-coding transcript variant (1).
Genome position (GRCh38, 1-based): chr5:143,133,978, C>T. VCF-style: chr5-143133978-C-T. GRCh37 (hg19) VCF-style: chr5-142513543-C-T.
Other names: c.1602C>T, p.Thr534= (NM_001349547.2); c.1710C>T, p.Thr570= (NM_015071.6).
Identifiers: ClinVar variation 3042217 (VCV003042217.2), dbSNP rs367794102, ClinGen allele CA3486427.
Genomic context (GRCh38, chr5:143,133,978, plus strand): 5'-TTCCCAGTCCACAGATGTGAGTAACCTTGTTGTGAAACTTCGTTTGCAGATATTTAACAC[C>T]GTGCCCGATATGCCTCTCACCAATGCCCAGCTGCACCTGTCTCGGAAGAAGAGCAGTGAC-3'
Protein context (NP_001129080.1, residues 560-580): LIENHEKIFN[Thr570=]VPDMPLTNAQ